The following is an entry in ClinVar:

ClinVar aggregate classification (germline): Uncertain significance. Review status: criteria provided, multiple submitters, no conflicts (2 of 4 stars). 4 submissions from 4 submitters: Uncertain significance (3). 1 of the submissions does not count toward it. Last evaluated 2024-06-04.

Conditions:
Retinitis pigmentosa 25 (RP25). Identifiers: Orphanet 791, MedGen C1864446, MONDO:0011272, OMIM 602772.
Autosomal recessive retinitis pigmentosa. Identifiers: MedGen C0339526.

Allele frequency attached by ClinVar (database versions not stated): gnomAD exomes 0.00003 and 0.00009; 1000 Genomes Project 30x 0.00031; ExAC 0.00032; 1000 Genomes Project 0.00040; gnomAD 0.00041 and 0.00042; ESP Exome Variant Server 0.00044; TOPMed 0.00045.
gnomAD v4.1: 107 of 1,551,114 alleles (0.0069%); highest among the groups gnomAD compares: African/African-American, 0.12%; no homozygotes.

Submissions (4):

Blueprint Genetics
Classification: Uncertain significance. Last evaluated: 2024-06-04. Review status: criteria provided, single submitter. Criteria: ACMG Guidelines, 2015. Collection method: clinical testing. Allele origin: germline.

Labcorp Genetics (formerly Invitae), Labcorp
Classification: Uncertain significance. Last evaluated: 2022-09-13. Review status: criteria provided, single submitter. Criteria: Invitae Variant Classification Sherloc (09022015). Collection method: clinical testing. Allele origin: germline.
Comment: This sequence change replaces cysteine, which is neutral and slightly polar, with serine, which is neutral and polar, at codon 690 of the EYS protein (p.Cys690Ser). This variant is present in population databases (rs370950723, gnomAD 0.1%). This variant has not been reported in the literature in individuals affected with EYS-related conditions. ClinVar contains an entry for this variant (Variation ID: 811665). Advanced modeling of protein sequence and biophysical properties (such as structural, functional, and spatial information, amino acid conservation, physicochemical variation, residue mobility, and thermodynamic stability) has been performed at Invitae for this missense variant, however the output from this modeling did not meet the statistical confidence thresholds required to predict the impact of this variant on EYS protein function. Algorithms developed to predict the effect of sequence changes on RNA splicing suggest that this variant may create or strengthen a splice site. In summary, the available evidence is currently insufficient to determine the role of this variant in disease. Therefore, it has been classified as a Variant of Uncertain Significance.

ARUP Laboratories, Molecular Genetics and Genomics, ARUP Laboratories
Classification: Uncertain significance for Retinitis pigmentosa 25. Last evaluated: 2018-12-12. Review status: criteria provided, single submitter. Criteria: ARUP Molecular Germline Variant Investigation Process. Collection method: clinical testing. Allele origin: germline.
Comment: The EYS c.2068T>A; p.Cys690Ser variant (rs370950723), to our knowledge, is not reported in the medical literature or gene-specific databases. The variant is reported in the African population with an overall allele frequency of 0.1% (18/16636 alleles) in the Genome Aggregation Database. The amino acid at this position is highly conserved and computational algorithms (PolyPhen-2, SIFT) predict this variant is deleterious. Considering available information, the clinical significance of this variant is uncertain.

Natera, Inc.
Classification: Uncertain significance for Autosomal recessive retinitis pigmentosa. Last evaluated: 2020-09-16. Review status: no assertion criteria provided. Collection method: clinical testing. Allele origin: germline. Not counted in ClinVar's aggregate classification.

NM_001142800.2(EYS):c.2068T>A (p.Cys690Ser)

Gene: EYS (EGF-like photoreceptor maintenance factor; minus strand). Cytogenetic location: 6q12.
Variant type: single nucleotide variant.
Coding change: c.2068T>A on transcript NM_001142800.2 (MANE Select); coding-DNA position 2068, T replaced by A.
Protein change: p.Cys690Ser; replaces cysteine 690 with serine.
Molecular consequence: missense variant.
Genome position (GRCh38, 1-based): chr6:65,057,683, A>T on the plus strand (T>A on the coding strand, the complement: EYS is on the minus strand). VCF-style: chr6-65057683-A-T. GRCh37 (hg19) VCF-style: chr6-65767576-A-T.
Other names: c.2068T>A, p.Cys690Ser (NM_001292009.2); short protein forms C690S.
Identifiers: ClinVar variation 811665 (VCV000811665.13), dbSNP rs370950723, ClinGen allele CA3877328.
Genomic context (GRCh38, chr6:65,057,683, plus strand): 5'-GAGGCACACACTGGCAGAAGTAATTACCAGGTTGGTCAATGCAGGTGGCTCCATTTTTGC[A>T]GGGATGTGAAGCACACTCATCTATATCAATTTCACATTGCGTACCTTTGGAAAATAGGAA-3'
Protein context (NP_001136272.1, residues 680-700): IDIDECASHP[Cys690Ser]KNGATCIDQP